The following is an entry in ClinVar:

ClinVar aggregate classification (germline): Uncertain significance (1 of 4 stars; one submission).

Conditions:
Cowden syndrome 3 (CWS3). Identifiers: Orphanet 201, MedGen CN166604, MONDO:0014045.
Paragangliomas with sensorineural hearing loss. Identifiers: MedGen C1868633.
Carney-Stratakis syndrome. Also called: PARAGANGLIOMA AND GASTROINTESTINAL STROMAL TUMOR. Identifiers: Orphanet 97286, MedGen C1847319, MONDO:0011740, OMIM 606864.
Pheochromocytoma. Also called: MAX-Related Hereditary Paraganglioma-Pheochromocytoma Syndrome. Identifiers: Orphanet 29072, MedGen C0031511, MONDO:0008233, OMIM 171300, HP:0002666.

Submission:

Labcorp Genetics (formerly Invitae), Labcorp
Classification: Uncertain significance for Carney-Stratakis syndrome; Paragangliomas with sensorineural hearing loss; Pheochromocytoma; Cowden syndrome 3. Last evaluated: 2022-02-20. Review status: criteria provided, single submitter. Criteria: Invitae Variant Classification Sherloc (09022015). Collection method: clinical testing. Allele origin: germline.
Comment: This variant is not present in population databases (gnomAD no frequency). In summary, the available evidence is currently insufficient to determine the role of this variant in disease. Therefore, it has been classified as a Variant of Uncertain Significance. Variants that disrupt the consensus splice site are a relatively common cause of aberrant splicing (PMID: 17576681, 9536098). Algorithms developed to predict the effect of sequence changes on RNA splicing suggest that this variant may disrupt the consensus splice site. ClinVar contains an entry for this variant (Variation ID: 660758). This variant has not been reported in the literature in individuals affected with SDHD-related conditions. This sequence change falls in intron 3 of the SDHD gene. It does not directly change the encoded amino acid sequence of the SDHD protein. It affects a nucleotide within the consensus splice site.

Literature cited by the submitters: PubMed 17576681; PubMed 9536098.

NM_003002.4(SDHD):c.314+4A>G

Gene: SDHD (succinate dehydrogenase complex subunit D; plus strand). Cytogenetic location: 11q23.1.
Variant type: single nucleotide variant.
Coding change: c.314+4A>G on transcript NM_003002.4 (MANE Select); 4 bases into the intron after coding-DNA position 314, A replaced by G.
Molecular consequence: intron variant.
Genome position (GRCh38, 1-based): chr11:112,089,015, A>G. VCF-style: chr11-112089015-A-G. GRCh37 (hg19) VCF-style: chr11-111959739-A-G.
Other names: c.314+4A>G (NM_001276506.2); c.169+1042A>G (NM_001276503.2); c.197+4A>G (NM_001276504.2).
Identifiers: ClinVar variation 660758 (VCV000660758.10), dbSNP rs1592780789, ClinGen allele CA915947747.
Genomic context (GRCh38, chr11:112,089,015, plus strand): 5'-TCCTTGCTCTGCGATGGACTATTCCCTGGCTGCAGCCCTCACTCTTCATGGTCACTGGCA[A>G]GTATAGCAATTCCAAATATAGTTGTCTGCTCAGTTTGTTTGCTGTGAGCTTGTCTTATGT-3'